The following is an entry in ClinVar:

ClinVar aggregate classification (germline): Pathogenic (1 of 4 stars; one submission).

Conditions:
Hereditary cancer-predisposing syndrome. Also called: Neoplastic Syndromes, Hereditary; Tumor predisposition; Hereditary Cancer Syndrome; Hereditary neoplastic syndrome. Identifiers: Orphanet 140162, MedGen C0027672, MeSH D009386, MONDO:0015356.

Submission:

Ambry Genetics
Classification: Pathogenic for Hereditary cancer-predisposing syndrome. Last evaluated: 2020-03-26. Review status: criteria provided, single submitter. Criteria: Ambry Variant Classification Scheme 2023. Collection method: clinical testing. Allele origin: germline.
Comment: The c.863_864delTG pathogenic mutation, located in coding exon 9 of the RB1 gene, results from a deletion of two nucleotides at nucleotide positions 863 to 864, causing a translational frameshift with a predicted alternate stop codon (p.V288Efs*21). This alteration is expected to result in loss of function by premature protein truncation or nonsense-mediated mRNA decay. As such, this alteration is interpreted as a disease-causing mutation.

NM_000321.3(RB1):c.863_864del (p.Val288fs)

Gene: RB1 (RB transcriptional corepressor 1; plus strand). Cytogenetic location: 13q14.2.
Variant type: Deletion.
Coding change: c.863_864del on transcript NM_000321.3 (MANE Select); coding-DNA positions 863 to 864, 2 bases deleted (TG; older notation c.863_864delTG).
Protein change: p.Val288fs; shifts the reading frame from valine 288.
Molecular consequence: frameshift variant.
Genome position (GRCh38, 1-based): chr13:48,364,895-48,364,896, TG deleted; deleting any 2 consecutive bases within chr13:48,364,894-48,364,896 gives the same sequence; the c. name uses the placement nearest the transcript's 3' end. VCF-style (leftmost placement, unchanged base first): chr13-48364893-GGT-G. GRCh37 (hg19) VCF-style: chr13-48939029-GGT-G.
Other names: c.863_864delTG, p.Val288Glufs (NM_001407165.1, NM_001407166.1); short protein forms V288fs.
Identifiers: ClinVar variation 1764109 (VCV001764109.2), dbSNP rs2542184972, ClinGen allele CA1139770811.